The following is an entry in ClinVar:

NC_000001.10:g.(?_215799123)_(215901746_?)dup

Gene: USH2A (usherin; minus strand). Cytogenetic location: 1q41.
Variant type: Duplication.
Identifiers: ClinVar variation 1017845 (VCV001017845.6).

ClinVar aggregate classification (germline): Uncertain significance (1 of 4 stars; one submission).

Submission:

Labcorp Genetics (formerly Invitae), Labcorp
Classification: Uncertain significance. Last evaluated: 2021-08-04. Review status: criteria provided, single submitter. Criteria: Invitae Variant Classification Sherloc (09022015). Collection method: clinical testing. Allele origin: germline.
Comment: This variant results in a copy number gain of the genomic region encompassing exon(s) 61-72 of the USH2A gene. The 5' boundary is likely confined to intron 60. The 3' end of this event is unknown as it extends beyond the assayed region for this gene and therefore may encompass additional genes. As the precise location of this event is unknown, it may be in tandem or it may be located elsewhere in the genome. A similar copy number variant has been observed in individual(s) with the clinical features of Usher syndrome (Invitae). Experimental studies and prediction algorithms are not available or were not evaluated, and the functional significance of this variant is currently unknown. In summary, the available evidence is currently insufficient to determine the role of this variant in disease. Therefore, it has been classified as a Variant of Uncertain Significance.